The following is an entry in ClinVar:

NM_001267550.2(TTN):c.11842C>T (p.Arg3948Cys)

Gene: TTN (titin; minus strand). Cytogenetic location: 2q31.2.
Variant type: single nucleotide variant.
Coding change: c.11842C>T on transcript NM_001267550.2 (MANE Select); coding-DNA position 11842, C replaced by T.
Protein change: p.Arg3948Cys; replaces arginine 3948 with cysteine.
Molecular consequence: missense variant. On other transcripts: intron variant (1).
Genome position (GRCh38, 1-based): chr2:178,741,391, G>A on the plus strand (C>T on the coding strand, the complement: TTN is on the minus strand). VCF-style: chr2-178741391-G-A. GRCh37 (hg19) VCF-style: chr2-179606118-G-A.
Other names: p.R3631C:CGC>TGC; c.10891C>T, p.Arg3631Cys (NM_001256850.1); c.11128C>T, p.Arg3710Cys (NM_133432.3); c.10753C>T, p.Arg3585Cys (NM_003319.4); c.11329C>T, p.Arg3777Cys (NM_133437.4); c.10361-3031C>T (NM_133378.4); short protein forms R3948C, R3710C, R3631C, R3777C, R3585C.
Identifiers: ClinVar variation 47813 (VCV000047813.17), dbSNP rs397517827, ClinGen allele CA141958.

ClinVar aggregate classification (germline): Conflicting classifications of pathogenicity. Review status: criteria provided, conflicting classifications (1 of 4 stars). 6 submissions from 6 submitters: Uncertain significance (2); Likely benign (4). Last evaluated 2025-09-01.

Allele frequency attached by ClinVar (database versions not stated): ExAC 0.00022; gnomAD 0.00011 and 0.00005; gnomAD exomes 0.00021; TOPMed 0.00007.

Submissions (6):

CeGaT Center for Human Genetics Tuebingen
Classification: Likely benign. Last evaluated: 2025-09-01. Review status: criteria provided, single submitter. Criteria: CeGaT Center For Human Genetics Tuebingen Variant Classification Criteria Version 2. Collection method: clinical testing. Allele origin: germline. Affected: yes. Observed: 1 variant allele.
Comment: TTN: BP4, BS2

Molecular Diagnostic Laboratory for Inherited Cardiovascular Disease, Montreal Heart Institute
Classification: Likely benign. Last evaluated: 2025-04-09. Review status: criteria provided, single submitter. Criteria: ACMG Guidelines, 2015. Collection method: clinical testing. Allele origin: germline. Affected: no.

ARUP Laboratories, Molecular Genetics and Genomics, ARUP Laboratories
Classification: Uncertain significance. Last evaluated: 2024-07-25. Review status: criteria provided, single submitter. Criteria: ARUP Molecular Germline Variant Investigation Process 2024. Collection method: clinical testing. Allele origin: germline.
Comment: The TTN c.11842C>T; p.Arg3948Cys variant (rs397517827; ClinVar Variation ID: 47813) is rare in the general population (<0.2% allele frequency in the Genome Aggregation Database) and has not been reported in the medical literature in association with dilated cardiomyopathy (DCM) or other TTN-related disease. The clinical relevance of rare missense variants in this gene, which are identified on average once per individual sequenced in affected populations (Herman 2012), is not well understood. Yet, evidence suggests that the vast majority of such missense variants do not contribute to the clinical outcome of DCM (Begay 2015). Thus, the clinical significance of the p.Arg3948Cys variant cannot be determined with certainty. References: Begay RL et al. Role of Titin Missense Variants in Dilated Cardiomyopathy. J Am Heart Assoc. 2015 Nov 13;4(11). PMID: 26567375. Herman DS et al. Truncations of titin causing dilated cardiomyopathy. N Engl J Med. 2012 Feb 16;366(7):619-28. PMID: 22335739. Linke WA and Hamdani N. Gigantic business: titin properties and function through thick and thin. Circ Res 2014; 114(6): 1052-1068. PMID: 24625729.

Blueprint Genetics
Classification: Likely benign. Last evaluated: 2024-07-01. Review status: criteria provided, single submitter. Criteria: ACMG Guidelines, 2015. Collection method: clinical testing. Allele origin: germline.

GeneDx
Classification: Likely benign. Last evaluated: 2018-10-15. Review status: criteria provided, single submitter. Criteria: GeneDx Variant Classification Process June 2021. Collection method: clinical testing. Allele origin: germline. Affected: yes.

Laboratory for Molecular Medicine, Mass General Brigham Personalized Medicine
Classification: Uncertain significance. Last evaluated: 2012-05-17. Review status: criteria provided, single submitter. Criteria: LMM Criteria. Collection method: clinical testing. Allele origin: germline. Observed: 1 variant allele.
Comment: The Arg3710Cys variant in TTN has not been reported in the literature nor previo usly identified by our laboratory. It was also absent from a very large and broa d population sequenced by the NHLBI Exome Sequencing Project. This low frequency is consistent with a disease causing role bu t insufficient to establish this with confidence. Evolutionary conservation and computational tools are limited or unavailable for this variant. Additional info rmation is needed to fully assess the clinical significance of the Arg3710Cys va riant.